The following is an entry in ClinVar:

NM_006440.5(TXNRD2):c.375-128C>A

Gene: TXNRD2 (thioredoxin reductase 2; minus strand). Cytogenetic location: 22q11.21.
Variant type: single nucleotide variant.
Coding change: c.375-128C>A on transcript NM_006440.5 (MANE Select); 128 bases into the intron before coding-DNA position 375, C replaced by A.
Molecular consequence: intron variant.
Genome position (GRCh38, 1-based): chr22:19,918,345, G>T on the plus strand (C>A on the coding strand, the complement: TXNRD2 is on the minus strand). VCF-style: chr22-19918345-G-T. GRCh37 (hg19) VCF-style: chr22-19905868-G-T.
Other names: c.372-128C>A (NM_001352300.2); c.87-128C>A (NM_001352302.2); c.285-128C>A (NM_001352301.2); c.375-128C>A (NM_001282512.3); c.279-128C>A (NM_001352303.2).
Identifiers: ClinVar variation 678739 (VCV000678739.2), dbSNP rs34776119, ClinGen allele CA14920362.

ClinVar aggregate classification (germline): Benign. Review status: criteria provided, multiple submitters, no conflicts (2 of 4 stars). 2 submissions from 2 submitters: Benign (2). Last evaluated 2018-06-14.

Allele frequency attached by ClinVar (database versions not stated): 1000 Genomes Project 0.03155; 1000 Genomes Project 30x 0.03264; gnomAD 0.04465; TOPMed 0.04610.
gnomAD v4.1: 46,028 of 868,078 alleles (5.3%); highest among the groups gnomAD compares: Non-Finnish European, 6.4%; 1,405 homozygotes.

Submissions (2):

GeneDx
Classification: Benign. Last evaluated: 2018-06-14. Review status: criteria provided, single submitter. Criteria: GeneDx Variant Classification (06012015). Collection method: clinical testing. Allele origin: germline. Affected: yes.
Comment: This variant is considered likely benign or benign based on one or more of the following criteria: it is a conservative change, it occurs at a poorly conserved position in the protein, it is predicted to be benign by multiple in silico algorithms, and/or has population frequency not consistent with disease.

Breakthrough Genomics
Classification: Benign. Review status: criteria provided, single submitter. Criteria: ACMG Guidelines, 2015. Collection method: not provided. Allele origin: germline. Inheritance: Autosomal recessive inheritance. Affected: yes.